The following is an entry in ClinVar:

NM_001379291.1(BRD4):c.3768_3776del (p.Gln1257_Arg1259del)

Gene: BRD4 (bromodomain containing 4; minus strand). Cytogenetic location: 19p13.12.
Variant type: Deletion.
Coding change: c.3768_3776del on transcript NM_001379291.1 (MANE Select); coding-DNA positions 3768 to 3776, 9 bases deleted (GCAGGAGCG; older notation c.3768_3776delGCAGGAGCG).
Protein change: p.Gln1257_Arg1259del.
Genome position (GRCh38, 1-based): chr19:15,239,065-15,239,073, CGCTCCTGC deleted on the plus strand (GCAGGAGCG on the coding strand, the reverse complement: BRD4 is on the minus strand); deleting any 9 consecutive bases within chr19:15,239,065-15,239,076 gives the same sequence; the c. name uses the placement nearest the transcript's 3' end. VCF-style (leftmost placement, unchanged base first): chr19-15239064-GCGCTCCTGC-G. GRCh37 (hg19) VCF-style: chr19-15349875-GCGCTCCTGC-G.
Other names: c.3768_3776del, p.Gln1257_Arg1259del (NM_058243.3).
Identifiers: ClinVar variation 4528072 (VCV004528072.1).
Genomic context (GRCh38, chr19:15,239,064, plus strand): 5'-CTGGGGACTGGTGTGGCCCCAAGAGTCCCCATGCCCCACCCAGACACCCGCCCACCTCAT[GCGCTCCTGC>G]CGCAGCCGCTCCTTCTCCTTCTCAGCGTGCTCGGCCTGAGCCTTCAGGGCCTTCTCACGC-3'

ClinVar aggregate classification (germline): Uncertain significance (1 of 4 stars; one submission).

Submission:

GeneDx
Classification: Uncertain significance. Last evaluated: 2025-05-09. Review status: criteria provided, single submitter. Criteria: GeneDx Variant Classification Process June 2021. Collection method: clinical testing. Allele origin: germline. Affected: yes.
Comment: Not observed at significant frequency in large population cohorts (gnomAD); In-frame deletion of 3 amino acid(s) in a non-repeat region; In silico analysis supports a deleterious effect on protein structure/function; Has not been previously published as pathogenic or benign to our knowledge